The following is an entry in ClinVar:

NM_007227.3(GPR45):c.743G>A (p.Arg248His)

Gene: GPR45 (G protein-coupled receptor 45; plus strand). Cytogenetic location: 2q12.1.
Variant type: single nucleotide variant.
Coding change: c.743G>A on transcript NM_007227.3 (MANE Select); coding-DNA position 743, G replaced by A.
Protein change: p.Arg248His; replaces arginine 248 with histidine.
Molecular consequence: missense variant.
Genome position (GRCh38, 1-based): chr2:105,242,601, G>A. VCF-style: chr2-105242601-G-A. GRCh37 (hg19) VCF-style: chr2-105859058-G-A.
Other names: short protein forms R248H.
Identifiers: ClinVar variation 2795630 (VCV002795630.3), dbSNP rs369449960, ClinGen allele CA53398460.

ClinVar aggregate classification (germline): Uncertain significance (1 of 4 stars; one submission).

Allele frequency attached by ClinVar (database versions not stated): ESP Exome Variant Server 0.00008.

Submission:

Labcorp Genetics (formerly Invitae), Labcorp
Classification: Uncertain significance. Last evaluated: 2025-10-06. Review status: criteria provided, single submitter. Criteria: Invitae Variant Classification Sherloc (09022015). Collection method: clinical testing. Allele origin: germline.
Comment: This sequence change replaces arginine, which is basic and polar, with histidine, which is basic and polar, at codon 248 of the GPR45 protein (p.Arg248His). This variant is not present in population databases (gnomAD no frequency). This variant has not been reported in the literature in individuals affected with GPR45-related conditions. ClinVar contains an entry for this variant (Variation ID: 2795630). An algorithm developed to predict the effect of missense changes on protein structure and function (PolyPhen-2) suggests that this variant is likely to be disruptive. In summary, the available evidence is currently insufficient to determine the role of this variant in disease. Therefore, it has been classified as a Variant of Uncertain Significance.